The following is an entry in ClinVar:

NM_001363711.2(DUOX2):c.1738C>T (p.Pro580Ser)

Gene: DUOX2 (dual oxidase 2; minus strand). Cytogenetic location: 15q21.1.
Variant type: single nucleotide variant.
Coding change: c.1738C>T on transcript NM_001363711.2 (MANE Select); coding-DNA position 1738, C replaced by T.
Protein change: p.Pro580Ser; replaces proline 580 with serine.
Molecular consequence: missense variant.
Genome position (GRCh38, 1-based): chr15:45,106,925, G>A on the plus strand (C>T on the coding strand, the complement: DUOX2 is on the minus strand). VCF-style: chr15-45106925-G-A. GRCh37 (hg19) VCF-style: chr15-45399123-G-A.
Other names: c.1738C>T, p.Pro580Ser (NM_014080.5); short protein forms P580S.
Identifiers: ClinVar variation 2352569 (VCV002352569.3), dbSNP rs563416210, ClinGen allele CA7538507.

ClinVar aggregate classification (germline): Uncertain significance. Review status: criteria provided, multiple submitters, no conflicts (2 of 4 stars). 2 submissions from 2 submitters: Uncertain significance (2). Last evaluated 2025-04-21.

Conditions:
Inborn genetic diseases. Identifiers: MedGen C0950123, MeSH D030342.

Allele frequency attached by ClinVar (database versions not stated): gnomAD 0.00001; TOPMed 0.00001; ExAC 0.00005; 1000 Genomes Project 30x 0.00016; 1000 Genomes Project 0.00020.
gnomAD v4.1: 12 of 1,580,984 alleles (0.00076%); highest among the groups gnomAD compares: Middle Eastern, 0.05%; no homozygotes.

Submissions (2):

Labcorp Genetics (formerly Invitae), Labcorp
Classification: Uncertain significance. Last evaluated: 2025-04-21. Review status: criteria provided, single submitter. Criteria: Invitae Variant Classification Sherloc (09022015). Collection method: clinical testing. Allele origin: germline.
Comment: This sequence change replaces proline, which is neutral and non-polar, with serine, which is neutral and polar, at codon 580 of the DUOX2 protein (p.Pro580Ser). This variant is not present in population databases (gnomAD no frequency). This variant has not been reported in the literature in individuals affected with DUOX2-related conditions. ClinVar contains an entry for this variant (Variation ID: 2352569). Invitae Evidence Modeling of protein sequence and biophysical properties (such as structural, functional, and spatial information, amino acid conservation, physicochemical variation, residue mobility, and thermodynamic stability) indicates that this missense variant is not expected to disrupt DUOX2 protein function with a negative predictive value of 80%. In summary, the available evidence is currently insufficient to determine the role of this variant in disease. Therefore, it has been classified as a Variant of Uncertain Significance.

Ambry Genetics
Classification: Uncertain significance for Inborn genetic diseases. Last evaluated: 2022-04-25. Review status: criteria provided, single submitter. Criteria: Ambry Variant Classification Scheme 2023. Collection method: clinical testing. Allele origin: germline.